The following is an entry in ClinVar:

ClinVar aggregate classification (germline): Uncertain significance (1 of 4 stars; one submission).

Allele frequency attached by ClinVar (database versions not stated): gnomAD 0.00001; gnomAD exomes below 0.00001; TOPMed 0.00001.
gnomAD v4.1: 6 of 1,459,466 alleles (0.00041%); highest among the groups gnomAD compares: Non-Finnish European, 0.00054%; no homozygotes.

Submission:

Labcorp Genetics (formerly Invitae), Labcorp
Classification: Uncertain significance. Last evaluated: 2025-02-24. Review status: criteria provided, single submitter. Criteria: Invitae Variant Classification Sherloc (09022015). Collection method: clinical testing. Allele origin: germline.
Comment: This sequence change replaces alanine, which is neutral and non-polar, with threonine, which is neutral and polar, at codon 1327 of the GRIN2D protein (p.Ala1327Thr). This variant is not present in population databases (gnomAD no frequency). This variant has not been reported in the literature in individuals affected with GRIN2D-related conditions. ClinVar contains an entry for this variant (Variation ID: 2074787). Invitae Evidence Modeling of protein sequence and biophysical properties (such as structural, functional, and spatial information, amino acid conservation, physicochemical variation, residue mobility, and thermodynamic stability) indicates that this missense variant is not expected to disrupt GRIN2D protein function with a negative predictive value of 95%. In summary, the available evidence is currently insufficient to determine the role of this variant in disease. Therefore, it has been classified as a Variant of Uncertain Significance.

NM_000836.4(GRIN2D):c.3979G>A (p.Ala1327Thr)

Gene: GRIN2D (glutamate ionotropic receptor NMDA type subunit 2D; plus strand). Cytogenetic location: 19q13.33.
Variant type: single nucleotide variant.
Coding change: c.3979G>A on transcript NM_000836.4 (MANE Select); coding-DNA position 3979, G replaced by A.
Protein change: p.Ala1327Thr; replaces alanine 1327 with threonine.
Molecular consequence: missense variant.
Genome position (GRCh38, 1-based): chr19:48,443,905, G>A. VCF-style: chr19-48443905-G-A. GRCh37 (hg19) VCF-style: chr19-48947162-G-A.
Other names: short protein forms A1327T.
Identifiers: ClinVar variation 2074787 (VCV002074787.4), dbSNP rs1369748748, ClinGen allele CA406679297.